The following is an entry in ClinVar:

ClinVar aggregate classification (germline): Uncertain significance (1 of 4 stars; one submission).

Submission:

GeneDx
Classification: Uncertain significance. Last evaluated: 2026-03-03. Review status: criteria provided, single submitter. Criteria: GeneDx Variant Classification Process June 2021. Collection method: clinical testing. Allele origin: germline.
Comment: Not observed at significant frequency in large population cohorts (gnomAD); In silico analysis supports that this missense variant has a deleterious effect on protein structure/function; Has not been previously published as pathogenic or benign to our knowledge

NM_001365276.2(TNXB):c.773G>A (p.Arg258His)

Gene: TNXB (tenascin XB; minus strand). Cytogenetic location: 6p21.33.
Variant type: single nucleotide variant.
Coding change: c.773G>A on transcript NM_001365276.2 (MANE Select); coding-DNA position 773, G replaced by A.
Protein change: p.Arg258His; replaces arginine 258 with histidine.
Molecular consequence: missense variant.
Genome position (GRCh38, 1-based): chr6:32,097,080, C>T on the plus strand (G>A on the coding strand, the complement: TNXB is on the minus strand). VCF-style: chr6-32097080-C-T. GRCh37 (hg19) VCF-style: chr6-32064857-C-T.
Other names: c.773G>A, p.Arg258His (NM_001428335.1, NM_019105.8); short protein forms R258H.
Identifiers: ClinVar variation 5008351 (VCV005008351.1).